The following is an entry in ClinVar:

NM_031418.4(ANO3):c.1290C>G (p.Ser430Arg)

Gene: ANO3 (anoctamin 3; plus strand). Cytogenetic location: 11p14.2.
Variant type: single nucleotide variant.
Coding change: c.1290C>G on transcript NM_031418.4 (MANE Select); coding-DNA position 1290, C replaced by G.
Protein change: p.Ser430Arg; replaces serine 430 with arginine.
Molecular consequence: missense variant.
Genome position (GRCh38, 1-based): chr11:26,553,249, C>G. VCF-style: chr11-26553249-C-G. GRCh37 (hg19) VCF-style: chr11-26574796-C-G.
Other names: c.1473C>G, p.Ser491Arg (NM_001313726.2); c.852C>G, p.Ser284Arg (NM_001313727.2); short protein forms S284R, S430R, S491R.
Identifiers: ClinVar variation 3392631 (VCV003392631.1).

ClinVar aggregate classification (germline): Uncertain significance (1 of 4 stars; one submission).

gnomAD v4.1: 1 of 1,412,896 alleles (0.000071%); highest among the groups gnomAD compares: Admixed American, 0.0018%; no homozygotes.

Submission:

GeneDx
Classification: Uncertain significance. Last evaluated: 2024-06-27. Review status: criteria provided, single submitter. Criteria: GeneDx Variant Classification Process June 2021. Collection method: clinical testing. Allele origin: germline. Affected: yes.
Comment: Not observed at significant frequency in large population cohorts (gnomAD); In silico analysis supports that this missense variant has a deleterious effect on protein structure/function; Has not been previously published as pathogenic or benign to our knowledge